The following is an entry in ClinVar:

NM_002017.5(FLI1):c.534C>T (p.Ala178=)

Gene: FLI1 (Fli-1 proto-oncogene, ETS transcription factor; plus strand). Cytogenetic location: 11q24.3.
Variant type: single nucleotide variant.
Coding change: c.534C>T on transcript NM_002017.5 (MANE Select); coding-DNA position 534, C replaced by T.
Protein change: p.Ala178=; no amino-acid change (alanine 178 retained).
Molecular consequence: synonymous variant. On other transcripts: intron variant (1).
Genome position (GRCh38, 1-based): chr11:128,772,930, C>T. VCF-style: chr11-128772930-C-T. GRCh37 (hg19) VCF-style: chr11-128642825-C-T.
Other names: c.435C>T, p.Ala145= (NM_001167681.3); c.336C>T, p.Ala112= (NM_001271010.2); c.11-9028C>T (NM_001271012.2); c.534C>T (NM_002017.4).
Identifiers: ClinVar variation 2414167 (VCV002414167.10), dbSNP rs749995325, ClinGen allele CA6357149.
Genomic context (GRCh38, chr11:128,772,930, plus strand): 5'-TTTCCAGAACATGGATGGCAAGGAACTGTGTAAAATGAACAAGGAGGACTTCCTCCGCGC[C>T]ACCACCCTCTACAACACGGAAGTGCTGTTGTCACACCTCAGTTACCTCAGGGAAAGTAAG-3'
Protein context (NP_002008.2, residues 168-188): CKMNKEDFLR[Ala178=]TTLYNTEVLL

ClinVar aggregate classification (germline): Likely benign. Review status: criteria provided, multiple submitters, no conflicts (2 of 4 stars). 3 submissions from 3 submitters: Likely benign (2). 1 of the submissions does not count toward it. Last evaluated 2024-09-19.

Conditions:
FLI1-related disorder. Also called: FLI1-related condition.

Allele frequency attached by ClinVar (database versions not stated): ExAC 0.00004; TOPMed 0.00005; gnomAD 0.00007; gnomAD exomes 0.00008.
gnomAD v4.1: 122 of 1,613,894 alleles (0.0076%); highest among the groups gnomAD compares: Middle Eastern, 0.016%; no homozygotes.

Submissions (3):

Blueprint Genetics
Classification: Likely benign. Last evaluated: 2024-09-19. Review status: criteria provided, single submitter. Criteria: ACMG Guidelines, 2015. Collection method: clinical testing. Allele origin: germline.

Labcorp Genetics (formerly Invitae), Labcorp
Classification: Likely benign. Last evaluated: 2022-08-30. Review status: criteria provided, single submitter. Criteria: Invitae Variant Classification Sherloc (09022015). Collection method: clinical testing. Allele origin: germline.

PreventionGenetics, part of Exact Sciences
Classification: Likely benign for FLI1-related condition. Last evaluated: 2024-02-09. Review status: no assertion criteria provided. Collection method: clinical testing. Allele origin: germline. Not counted in ClinVar's aggregate classification.
Comment: This variant is classified as likely benign based on ACMG/AMP sequence variant interpretation guidelines (Richards et al. 2015 PMID: 25741868, with internal and published modifications).